The following is an entry in ClinVar:

ClinVar aggregate classification (germline): Conflicting classifications of pathogenicity. Review status: criteria provided, conflicting classifications (1 of 4 stars). 2 submissions from 2 submitters: Likely pathogenic (1); Uncertain significance (1). Last evaluated 2025-02-16.

Submissions (2):

Laboratory of Genetics, Children's Clinical University Hospital Latvia
Classification: Uncertain significance. Last evaluated: 2025-02-16. Review status: criteria provided, single submitter. Criteria: ACMG Guidelines, 2015. Collection method: clinical testing. Allele origin: germline. Affected: yes.

GeneDx
Classification: Likely pathogenic. Last evaluated: 2023-12-14. Review status: criteria provided, single submitter. Criteria: GeneDx Variant Classification Process June 2021. Collection method: clinical testing. Allele origin: germline. Affected: yes.
Comment: In silico analysis supports that this missense variant has a deleterious effect on protein structure/function; Not observed at significant frequency in large population cohorts (gnomAD); Has not been previously published as pathogenic or benign to our knowledge

NM_001382241.1(TNPO2):c.982G>A (p.Asp328Asn)

Gene: TNPO2 (transportin 2; minus strand). Cytogenetic location: 19p13.13.
Variant type: single nucleotide variant.
Coding change: c.982G>A on transcript NM_001382241.1 (MANE Select); coding-DNA position 982, G replaced by A.
Protein change: p.Asp328Asn; replaces aspartic acid 328 with asparagine.
Molecular consequence: missense variant. On other transcripts: non-coding transcript variant (5).
Genome position (GRCh38, 1-based): chr19:12,711,431, C>T on the plus strand (G>A on the coding strand, the complement: TNPO2 is on the minus strand). VCF-style: chr19-12711431-C-T. GRCh37 (hg19) VCF-style: chr19-12822245-C-T.
Other names: c.982G>A, p.Asp328Asn (NM_001136195.2, NM_001136196.2, NM_001382236.1 and 7 more transcripts); short protein forms D328N.
Identifiers: ClinVar variation 3342897 (VCV003342897.2).
Genomic context (GRCh38, chr19:12,711,431, plus strand): 5'-CGTGGGGCAGTGTGACCGTGCGTGACTTGTGGAAGCGTGGCTTGATGTCCTGCTCACTGT[C>T]GGGGACAGCCTCATCCTCCTCCACATCCCCCTGGGGGACAGGCAGACTGTTAAGTACTTT-3'
Protein context (NP_001369170.1, residues 318-338): GDVEEDEAVP[Asp328Asn]SEQDIKPRFH